The following is an entry in ClinVar:

ClinVar aggregate classification (germline): Conflicting classifications of pathogenicity. Review status: criteria provided, conflicting classifications (1 of 4 stars). 5 submissions from 5 submitters: Uncertain significance (3); Likely benign (2). Last evaluated 2026-01-12.

Conditions:
Familial sleep-related hypermotor epilepsy. Also called: Autosomal Dominant Sleep-Related Hypermotor (Hyperkinetic) Epilepsy. Identifiers: Orphanet 98784, MedGen C3696898, MONDO:0000030.
Inborn genetic diseases. Identifiers: MedGen C0950123, MeSH D030342.
Autosomal dominant nocturnal frontal lobe epilepsy 3. Also called: CHRNB2-Related Nocturnal Frontal Lobe Epilepsy, Autosomal Dominant. Identifiers: Orphanet 98784, MedGen C1854335, MONDO:0011545, OMIM 605375.

Submissions (5):

Labcorp Genetics (formerly Invitae), Labcorp
Classification: Likely benign. Last evaluated: 2026-01-12. Review status: criteria provided, single submitter. Criteria: Invitae Variant Classification Sherloc (09022015). Collection method: clinical testing. Allele origin: germline.

Ambry Genetics
Classification: Likely benign for Inborn genetic diseases. Last evaluated: 2025-09-10. Review status: criteria provided, single submitter. Criteria: Ambry Variant Classification Scheme 2023. Collection method: clinical testing. Allele origin: germline.

GeneDx
Classification: Uncertain significance. Last evaluated: 2023-05-25. Review status: criteria provided, single submitter. Criteria: GeneDx Variant Classification Process June 2021. Collection method: clinical testing. Allele origin: germline. Affected: yes.
Comment: In-frame deletion of 1 amino acid in a non-repeat region; In silico analysis supports a deleterious effect on protein structure/function; Has not been previously published as pathogenic or benign to our knowledge

New York Genome Center
Classification: Uncertain significance for Autosomal dominant nocturnal frontal lobe epilepsy 3. Last evaluated: 2021-01-21. Review status: criteria provided, single submitter. Criteria: NYGC Assertion Criteria 2020. Collection method: clinical testing. Allele origin: inherited. Observed: 1 heterozygote. Study: CSER-NYCKidSeq.

Athena Diagnostics
Classification: Uncertain significance. Last evaluated: 2017-12-29. Review status: criteria provided, single submitter. Criteria: Athena Diagnostics Criteria. Collection method: clinical testing. Allele origin: germline.

NM_000748.3(CHRNB2):c.360CAA[1] (p.Asn122del)

Gene: CHRNB2 (cholinergic receptor nicotinic beta 2 subunit; plus strand). Cytogenetic location: 1q21.3.
Variant type: Microsatellite.
Coding change: c.360CAA[1] on transcript NM_000748.3 (MANE Select); one copy of the 3-base unit CAA starting at c.360; the reference has two copies in a row; one copy, 3 bases deleted.
Protein change: p.Asn122del; deletes asparagine 122.
Molecular consequence: inframe deletion.
Genome position (GRCh38, 1-based): chr1:154,570,365-154,570,367, CAA deleted; deleting any 3 consecutive bases within chr1:154,570,361-154,570,367 gives the same sequence; the position shown is the placement nearest the transcript's 3' end. VCF-style (leftmost placement, unchanged base first): chr1-154570360-TACA-T. GRCh37 (hg19) VCF-style: chr1-154542836-TACA-T.
Other names: c.363_365delCAA (NM_000748.2); short protein forms N122del.
Identifiers: ClinVar variation 205077 (VCV000205077.25), dbSNP rs796052329, ClinGen allele CA313671.